The following is an entry in ClinVar:

NM_000352.6(ABCC8):c.1818-1_1822delinsCAA

Gene: ABCC8 (ATP binding cassette subfamily C member 8; minus strand). Cytogenetic location: 11p15.1.
Variant type: Indel.
Coding change: c.1818-1_1822delinsCAA on transcript NM_000352.6 (MANE Select); the canonical splice acceptor site of the intron before coding-DNA position 1818 through coding-DNA position 1822, GCGTGC replaced by CAA.
Molecular consequence: splice acceptor variant.
Genome position (GRCh38, 1-based): chr11:17,428,666-17,428,671, GCACGC replaced by TTG on the plus strand (GCGTGC replaced by CAA on the coding strand, the reverse complement: ABCC8 is on the minus strand). VCF-style: chr11-17428666-GCACGC-TTG. GRCh37 (hg19) VCF-style: chr11-17450213-GCACGC-TTG.
Other names: c.1815-1_1819delinsCAA (NM_001351297.2, NM_001351296.2); c.1818-1_1822delinsCAA (NM_001351295.2, NM_001287174.3).
Identifiers: ClinVar variation 4818239 (VCV004818239.1).

ClinVar aggregate classification (germline): Likely pathogenic (1 of 4 stars; one submission).

Conditions:
Hereditary hyperinsulinism.

Submission:

Natera, Inc.
Classification: Likely pathogenic for Hereditary hyperinsulinism. Last evaluated: 2026-01-29. Review status: criteria provided, single submitter. Criteria: Natera Variant Classification Schema (03/2026). Collection method: clinical testing. Allele origin: germline.
Comment: The c.1818-1_1822delinsCAA variant in ABCC8 is a canonical splice acceptor site variant predicted to affect pre-mRNA splicing, which may result in an abnormal transcript and altered protein product. This variant is expected to result in nonsense mediated decay, truncation, or a dysfunctional protein product. This variant is rare in the general population with a frequency below the threshold expected for the associated phenotype(s). Given the available evidence, this variant is classified as Likely Pathogenic.